The following is an entry in ClinVar:

NM_001723.7(DST):c.3668A>G (p.Glu1223Gly)

Gene: DST (dystonin; minus strand). Cytogenetic location: 6p12.1.
Variant type: single nucleotide variant.
Coding change: c.3668A>G on transcript NM_001723.7 (MANE Plus Clinical); coding-DNA position 3668, A replaced by G.
Protein change: p.Glu1223Gly; replaces glutamic acid 1223 with glycine.
Molecular consequence: missense variant. On other transcripts: intron variant (10).
Genome position (GRCh38, 1-based): chr6:56,620,366, T>C on the plus strand (A>G on the coding strand, the complement: DST is on the minus strand). VCF-style: chr6-56620366-T-C. GRCh37 (hg19) VCF-style: chr6-56485164-T-C.
Other names: c.4830+4164A>G (NM_001144769.5); c.4929+4164A>G (NM_001374722.1, NM_001374736.1); c.4956+4164A>G (NM_001374734.1); c.4416+4164A>G (NM_001144770.2); c.4296+4164A>G (NM_001374730.1, NM_001386100.1, NM_183380.4 and 1 more transcripts); c.3318+4164A>G (NM_015548.5); short protein forms E1223G.
Identifiers: ClinVar variation 1363450 (VCV001363450.8), dbSNP rs2152739559, ClinGen allele CA364571405.

ClinVar aggregate classification (germline): Uncertain significance (1 of 4 stars; one submission).

Conditions:
Hereditary sensory and autonomic neuropathy type 6. Also called: HSAN VI; Neuropathy, hereditary sensory and autonomic, type VI. Identifiers: Orphanet 314381, MedGen C3539003, MONDO:0013839, OMIM 614653.
Epidermolysis bullosa simplex 3, localized or generalized intermediate, with BP230 deficiency (EBS3). Also called: Epidermolysis bullosa simplex due to BP230 deficiency; Epidermolysis bullosa simplex, autosomal recessive 2. Identifiers: Orphanet 412181, MedGen C3809470, MONDO:0014180, OMIM 615425.

Submission:

Labcorp Genetics (formerly Invitae), Labcorp
Classification: Uncertain significance for Epidermolysis bullosa simplex 3, localized or generalized intermediate, with BP230 deficiency; Hereditary sensory and autonomic neuropathy type 6. Last evaluated: 2022-07-26. Review status: criteria provided, single submitter. Criteria: Invitae Variant Classification Sherloc (09022015). Collection method: clinical testing. Allele origin: germline.
Comment: This variant is not present in population databases (gnomAD no frequency). In summary, the available evidence is currently insufficient to determine the role of this variant in disease. Therefore, it has been classified as a Variant of Uncertain Significance. Algorithms developed to predict the effect of missense changes on protein structure and function (SIFT, PolyPhen-2, Align-GVGD) all suggest that this variant is likely to be tolerated. ClinVar contains an entry for this variant (Variation ID: 1363450). This variant has not been reported in the literature in individuals affected with DST-related conditions. This sequence change replaces glutamic acid, which is acidic and polar, with glycine, which is neutral and non-polar, at codon 1223 of the DST protein (p.Glu1223Gly).